The following is an entry in ClinVar:

NM_183381.3(RNF13):c.1117C>G (p.Arg373Gly)

Gene: RNF13 (ring finger protein 13; plus strand). Cytogenetic location: 3q25.1.
Variant type: single nucleotide variant.
Coding change: c.1117C>G on transcript NM_183381.3 (MANE Select); coding-DNA position 1117, C replaced by G.
Protein change: p.Arg373Gly; replaces arginine 373 with glycine.
Molecular consequence: missense variant. On other transcripts: non-coding transcript variant (1).
Genome position (GRCh38, 1-based): chr3:149,961,075, C>G. VCF-style: chr3-149961075-C-G. GRCh37 (hg19) VCF-style: chr3-149678862-C-G.
Other names: c.1117C>G, p.Arg373Gly (NM_001378285.1, NM_001378286.1, NM_007282.4); c.760C>G, p.Arg254Gly (NM_001378287.1, NM_001378288.1, NM_001378289.1 and 2 more transcripts); c.724C>G, p.Arg242Gly (NM_001378291.1); short protein forms R254G, R242G, R373G.
Identifiers: ClinVar variation 2792613 (VCV002792613.3), dbSNP rs575462208, ClinGen allele CA2663167.
Genomic context (GRCh38, chr3:149,961,075, plus strand): 5'-GATGCAGAAAATGAAATTAATGAACATGATGTCGTGGTCCAGTTGCAGCCTAATGGTGAA[C>G]GGGATTACAACATAGCAAATACTGTTTGACTTTCAGAAGATGATTGGTTTATTTCCCTTT-3'
Protein context (NP_899237.1, residues 363-381): VVVQLQPNGE[Arg373Gly]DYNIANTV

ClinVar aggregate classification (germline): Uncertain significance (1 of 4 stars; one submission).

gnomAD v4.1: 1 of 1,612,378 alleles (0.000062%); highest among the groups gnomAD compares: Non-Finnish European, 0.000085%; no homozygotes.

Submission:

Labcorp Genetics (formerly Invitae), Labcorp
Classification: Uncertain significance. Last evaluated: 2023-01-29. Review status: criteria provided, single submitter. Criteria: Invitae Variant Classification Sherloc (09022015). Collection method: clinical testing. Allele origin: germline.
Comment: In summary, the available evidence is currently insufficient to determine the role of this variant in disease. Therefore, it has been classified as a Variant of Uncertain Significance. Algorithms developed to predict the effect of missense changes on protein structure and function (SIFT, PolyPhen-2, Align-GVGD) all suggest that this variant is likely to be tolerated. This variant has not been reported in the literature in individuals affected with RNF13-related conditions. This variant is present in population databases (rs575462208, gnomAD 0.0009%). This sequence change replaces arginine, which is basic and polar, with glycine, which is neutral and non-polar, at codon 373 of the RNF13 protein (p.Arg373Gly).